The following is an entry in ClinVar:

ClinVar aggregate classification (germline): Uncertain significance (1 of 4 stars; one submission).

Conditions:
Inborn genetic diseases. Identifiers: MedGen C0950123, MeSH D030342.

Submission:

Ambry Genetics
Classification: Uncertain significance for Inborn genetic diseases. Last evaluated: 2025-08-03. Review status: criteria provided, single submitter. Criteria: Ambry Variant Classification Scheme 2023. Collection method: clinical testing. Allele origin: germline.
Comment: The p.C724R variant (also known as c.2170T>C), located in coding exon 1 of the SAMD9L gene, results from a T to C substitution at nucleotide position 2170. The cysteine at codon 724 is replaced by arginine, an amino acid with highly dissimilar properties. This amino acid position is conserved. In addition, this alteration is predicted to be tolerated by in silico analysis. Based on the available evidence, the clinical significance of this variant remains unclear.

NM_152703.5(SAMD9L):c.2170T>C (p.Cys724Arg)

Gene: SAMD9L (sterile alpha motif domain containing 9 like; minus strand). Cytogenetic location: 7q21.2.
Variant type: single nucleotide variant.
Coding change: c.2170T>C on transcript NM_152703.5 (MANE Select); coding-DNA position 2170, T replaced by C.
Protein change: p.Cys724Arg; replaces cysteine 724 with arginine.
Molecular consequence: missense variant.
Genome position (GRCh38, 1-based): chr7:93,133,802, A>G on the plus strand (T>C on the coding strand, the complement: SAMD9L is on the minus strand). VCF-style: chr7-93133802-A-G. GRCh37 (hg19) VCF-style: chr7-92763115-A-G.
Other names: c.2170T>C, p.Cys724Arg (NM_001303496.3, NM_001303497.3, NM_001303498.3 and 5 more transcripts); short protein forms C724R.
Identifiers: ClinVar variation 4159377 (VCV004159377.1).